The following is an entry in ClinVar:

ClinVar aggregate classification (germline): Uncertain significance (1 of 4 stars; one submission).

Allele frequency attached by ClinVar (database versions not stated): TOPMed below 0.00001; gnomAD 0.00001.

Submission:

Labcorp Genetics (formerly Invitae), Labcorp
Classification: Uncertain significance. Last evaluated: 2022-03-17. Review status: criteria provided, single submitter. Criteria: Invitae Variant Classification Sherloc (09022015). Collection method: clinical testing. Allele origin: germline.
Comment: In summary, the available evidence is currently insufficient to determine the role of this variant in disease. Therefore, it has been classified as a Variant of Uncertain Significance. Algorithms developed to predict the effect of missense changes on protein structure and function are either unavailable or do not agree on the potential impact of this missense change (SIFT: "Deleterious"; PolyPhen-2: "Possibly Damaging"; Align-GVGD: "Class C0"). This variant has not been reported in the literature in individuals affected with FLVCR1-related conditions. This variant is not present in population databases (gnomAD no frequency). This sequence change replaces arginine, which is basic and polar, with leucine, which is neutral and non-polar, at codon 223 of the FLVCR1 protein (p.Arg223Leu).

NM_014053.4(FLVCR1):c.668G>T (p.Arg223Leu)

Gene: FLVCR1 (FLVCR choline and heme transporter 1; plus strand). Cytogenetic location: 1q32.3.
Variant type: single nucleotide variant.
Coding change: c.668G>T on transcript NM_014053.4 (MANE Select); coding-DNA position 668, G replaced by T.
Protein change: p.Arg223Leu; replaces arginine 223 with leucine.
Molecular consequence: missense variant.
Genome position (GRCh38, 1-based): chr1:212,859,120, G>T. VCF-style: chr1-212859120-G-T. GRCh37 (hg19) VCF-style: chr1-213032462-G-T.
Other names: short protein forms R223L.
Identifiers: ClinVar variation 1975380 (VCV001975380.4), dbSNP rs1464474465, ClinGen allele CA344797422.